The following is an entry in ClinVar:

ClinVar aggregate classification (germline): Uncertain significance (1 of 4 stars; one submission).

Conditions:
Spinocerebellar ataxia type 26 (SCA26). Identifiers: Orphanet 101112, MedGen C1836395, MONDO:0012246, OMIM 609306.

Submission:

Illumina Laboratory Services, Illumina
Classification: Uncertain significance for Spinocerebellar ataxia type 26. Last evaluated: 2024-03-12. Review status: criteria provided, single submitter. Criteria: ISL SNV Classification Criteria 03 February 2026. Collection method: clinical testing. Allele origin: unknown.
Comment: The EEF2 c.1800C>G p.(Asn600Lys) missense variant has not, to our knowledge, been reported in the peer-reviewed literature. This variant is not observed in version 2.1.1 or version 4.0.0 of the Genome Aggregation Database. Based on the available evidence, the c.1800C>G p.(Asn600Lys) variant is classified as a variant of uncertain significance.

NM_001961.4(EEF2):c.1800C>G (p.Asn600Lys)

Gene: EEF2 (eukaryotic translation elongation factor 2; minus strand). Cytogenetic location: 19p13.3.
Variant type: single nucleotide variant.
Coding change: c.1800C>G on transcript NM_001961.4 (MANE Select); coding-DNA position 1800, C replaced by G.
Protein change: p.Asn600Lys; replaces asparagine 600 with lysine.
Molecular consequence: missense variant.
Genome position (GRCh38, 1-based): chr19:3,978,086, G>C on the plus strand (C>G on the coding strand, the complement: EEF2 is on the minus strand). VCF-style: chr19-3978086-G-C. GRCh37 (hg19) VCF-style: chr19-3978084-G-C.
Other names: short protein forms N600K.
Identifiers: ClinVar variation 4759481 (VCV004759481.1).
Genomic context (GRCh38, chr19:3,978,086, plus strand): 5'-GCCTTTATCGATGTCCTCGGCCAGGCCGTCGGGGAAGGGCCGCGCCTTCATGTACAGCCG[G>C]TTGTGCTTGTTGGGGGACTTGGAGAGGCAGAGCACGTTCGACTCTTCACTGACCGTCTCG-3'
Protein context (NP_001952.1, residues 590-610): LCLSKSPNKH[Asn600Lys]RLYMKARPFP